The following is an entry in ClinVar:

NM_001365276.2(TNXB):c.5136C>T (p.Asp1712=)

Gene: TNXB (tenascin XB; minus strand). Cytogenetic location: 6p21.33.
Variant type: single nucleotide variant.
Coding change: c.5136C>T on transcript NM_001365276.2 (MANE Select); coding-DNA position 5136, C replaced by T.
Protein change: p.Asp1712=; no amino-acid change (aspartic acid 1712 retained).
Molecular consequence: synonymous variant.
Genome position (GRCh38, 1-based): chr6:32,070,269, G>A on the plus strand (C>T on the coding strand, the complement: TNXB is on the minus strand). VCF-style: chr6-32070269-G-A. GRCh37 (hg19) VCF-style: chr6-32038046-G-A.
Other names: p.Asp1712=; c.5136C>T, p.Asp1712= (NM_019105.8).
Identifiers: ClinVar variation 1176195 (VCV001176195.48), dbSNP rs140160519, ClinGen allele CA3734785.

ClinVar aggregate classification (germline): Conflicting classifications of pathogenicity. Review status: criteria provided, conflicting classifications (1 of 4 stars). 10 submissions from 10 submitters: Uncertain significance (1); Benign (2); Likely benign (7). Last evaluated 2026-06-01.

Conditions:
Cardiovascular phenotype. Identifiers: MedGen CN230736.
Ehlers-Danlos syndrome (EDS). Identifiers: Orphanet 98249, MedGen C0013720, MONDO:0020066.

Allele frequency attached by ClinVar (database versions not stated): 1000 Genomes Project 30x 0.00078; gnomAD exomes 0.00099 and 0.00137; 1000 Genomes Project 0.00100; ExAC 0.00107; gnomAD 0.00158 and 0.00169; TOPMed 0.00170; ESP Exome Variant Server 0.00199.

Submissions (10):

CeGaT Center for Human Genetics Tuebingen
Classification: Likely benign. Last evaluated: 2026-06-01. Review status: criteria provided, single submitter. Criteria: CeGaT Center For Human Genetics Tuebingen Variant Classification Criteria Version 2. Collection method: clinical testing. Allele origin: germline. Affected: yes. Observed: 10 variant alleles.
Comment: TNXB: BP4, BP7

Labcorp Genetics (formerly Invitae), Labcorp
Classification: Benign. Last evaluated: 2026-01-25. Review status: criteria provided, single submitter. Criteria: Invitae Variant Classification Sherloc (09022015). Collection method: clinical testing. Allele origin: germline.

Mayo Clinic Laboratories, Mayo Clinic
Classification: Likely benign. Last evaluated: 2025-02-17. Review status: criteria provided, single submitter. Criteria: ACMG Guidelines, 2015. Collection method: clinical testing. Allele origin: germline. Observed: 7 variant alleles.
Comment: BS1, BP4, BP7

Laboratory of Genetics, Children's Clinical University Hospital Latvia
Classification: Benign. Last evaluated: 2025-02-16. Review status: criteria provided, single submitter. Criteria: ACMG Guidelines, 2015. Collection method: clinical testing. Allele origin: germline. Affected: yes.

Women's Health and Genetics/Laboratory Corporation of America, LabCorp
Classification: Likely benign. Last evaluated: 2024-11-25. Review status: criteria provided, single submitter. Criteria: LabCorp Variant Classification Summary - May 2015. Collection method: clinical testing. Allele origin: germline.

Blueprint Genetics
Classification: Likely benign. Last evaluated: 2024-11-22. Review status: criteria provided, single submitter. Criteria: ACMG Guidelines, 2015. Collection method: clinical testing. Allele origin: germline.

GeneDx
Classification: Likely benign. Last evaluated: 2021-06-26. Review status: criteria provided, single submitter. Criteria: GeneDx Variant Classification Process June 2021. Collection method: clinical testing. Allele origin: germline. Affected: yes.

Genome Diagnostics Laboratory, The Hospital for Sick Children
Classification: Uncertain significance for Ehlers-Danlos syndrome. Last evaluated: 2020-03-01. Review status: criteria provided, single submitter. Criteria: ACMG Guidelines, 2015. Collection method: clinical testing. Allele origin: germline.

Ambry Genetics
Classification: Likely benign for Cardiovascular phenotype. Last evaluated: 2019-03-27. Review status: criteria provided, single submitter. Criteria: Ambry Variant Classification Scheme 2023. Collection method: clinical testing. Allele origin: germline.

Breakthrough Genomics
Classification: Likely benign. Review status: criteria provided, single submitter. Criteria: ACMG Guidelines, 2015. Collection method: not provided. Allele origin: germline. Inheritance: Autosomal recessive inheritance. Affected: yes.